The following is an entry in ClinVar:

ClinVar aggregate classification (germline): Uncertain significance. Review status: criteria provided, multiple submitters, no conflicts (2 of 4 stars). 2 submissions from 2 submitters: Uncertain significance (2). Last evaluated 2023-03-05.

Conditions:
Ataxia-telangiectasia-like disorder (ATLD). Identifiers: MedGen C1858391, MONDO:0011457.
Hereditary cancer-predisposing syndrome. Also called: Hereditary neoplastic syndrome; Neoplastic Syndromes, Hereditary; Tumor predisposition; Hereditary Cancer Syndrome. Identifiers: Orphanet 140162, MedGen C0027672, MeSH D009386, MONDO:0015356.

Submissions (2):

Ambry Genetics
Classification: Uncertain significance for Hereditary cancer-predisposing syndrome. Last evaluated: 2023-03-05. Review status: criteria provided, single submitter. Criteria: Ambry Variant Classification Scheme 2023. Collection method: clinical testing. Allele origin: germline.
Comment: The p.H245Q variant (also known as c.735T>G), located in coding exon 7 of the MRE11A gene, results from a T to G substitution at nucleotide position 735. The histidine at codon 245 is replaced by glutamine, an amino acid with highly similar properties. This amino acid position is conserved. In addition, this alteration is predicted to be deleterious by in silico analysis. Since supporting evidence is limited at this time, the clinical significance of this alteration remains unclear.

Labcorp Genetics (formerly Invitae), Labcorp
Classification: Uncertain significance for Ataxia-telangiectasia-like disorder. Last evaluated: 2021-08-14. Review status: criteria provided, single submitter. Criteria: Invitae Variant Classification Sherloc (09022015). Collection method: clinical testing. Allele origin: germline.
Comment: This sequence change replaces histidine with glutamine at codon 245 of the MRE11 protein (p.His245Gln). The histidine residue is highly conserved and there is a small physicochemical difference between histidine and glutamine. This variant is not present in population databases (ExAC no frequency). This variant has not been reported in the literature in individuals affected with MRE11-related conditions. Algorithms developed to predict the effect of missense changes on protein structure and function are either unavailable or do not agree on the potential impact of this missense change (SIFT: "Deleterious"; PolyPhen-2: "Probably Damaging"; Align-GVGD: "Class C15"). Algorithms developed to predict the effect of sequence changes on RNA splicing suggest that this variant may create or strengthen a splice site. In summary, the available evidence is currently insufficient to determine the role of this variant in disease. Therefore, it has been classified as a Variant of Uncertain Significance.

NM_005591.4(MRE11):c.735T>G (p.His245Gln)

Gene: MRE11 (MRE11 double strand break repair nuclease; minus strand). Cytogenetic location: 11q21.
Variant type: single nucleotide variant.
Coding change: c.735T>G on transcript NM_005591.4 (MANE Select); coding-DNA position 735, T replaced by G.
Protein change: p.His245Gln; replaces histidine 245 with glutamine.
Molecular consequence: missense variant.
Genome position (GRCh38, 1-based): chr11:94,471,684, A>C on the plus strand (T>G on the coding strand, the complement: MRE11 is on the minus strand). VCF-style: chr11-94471684-A-C. GRCh37 (hg19) VCF-style: chr11-94204850-A-C.
Other names: c.735T>G, p.His245Gln (NM_001330347.2, NM_005590.4); c.735T>G (NM_005591.3); short protein forms H245Q.
Identifiers: ClinVar variation 1681607 (VCV001681607.6), dbSNP rs2135047266, ClinGen allele CA382375793.
Genomic context (GRCh38, chr11:94,471,684, plus strand): 5'-TTGTGAGATATAAAACAGCTGTTGTTCATTTTTGGTTGGAGCTATTTTACACTCATGTTC[A>C]TGGCCCCAGATAACAAGATCAATGAAGTCATCCAAAAATTGTTCTGGAATGAAGTTAGTA-3'
Protein context (NP_005582.1, residues 235-255): DDFIDLVIWG[His245Gln]EHECKIAPTK